The following is an entry in ClinVar:

ClinVar aggregate classification (germline): Uncertain significance (1 of 4 stars; one submission).

Conditions:
Multiple congenital anomalies-hypotonia-seizures syndrome 2 (MCAHS2). Also called: EPILEPTIC ENCEPHALOPATHY, EARLY INFANTILE, 20; GLYCOSYLPHOSPHATIDYLINOSITOL BIOSYNTHESIS DEFECT 4. Identifiers: Orphanet 300496, MedGen C3275508, MONDO:0010466, OMIM 300868.

Submission:

Labcorp Genetics (formerly Invitae), Labcorp
Classification: Uncertain significance for Multiple congenital anomalies-hypotonia-seizures syndrome 2. Last evaluated: 2025-06-17. Review status: criteria provided, single submitter. Criteria: Invitae Variant Classification Sherloc (09022015). Collection method: clinical testing. Allele origin: germline.
Comment: This sequence change replaces leucine, which is neutral and non-polar, with phenylalanine, which is neutral and non-polar, at codon 250 of the PIGA protein (p.Leu250Phe). This variant is not present in population databases (gnomAD no frequency). This variant has not been reported in the literature in individuals affected with PIGA-related conditions. Invitae Evidence Modeling of protein sequence and biophysical properties (such as structural, functional, and spatial information, amino acid conservation, physicochemical variation, residue mobility, and thermodynamic stability) indicates that this missense variant is not expected to disrupt PIGA protein function with a negative predictive value of 80%. In summary, the available evidence is currently insufficient to determine the role of this variant in disease. Therefore, it has been classified as a Variant of Uncertain Significance.

NM_002641.4(PIGA):c.748C>T (p.Leu250Phe)

Gene: PIGA (phosphatidylinositol glycan anchor biosynthesis class A; minus strand). Cytogenetic location: Xp22.2.
Variant type: single nucleotide variant.
Coding change: c.748C>T on transcript NM_002641.4 (MANE Select); coding-DNA position 748, C replaced by T.
Protein change: p.Leu250Phe; replaces leucine 250 with phenylalanine.
Molecular consequence: missense variant. On other transcripts: non-coding transcript variant (4).
Genome position (GRCh38, 1-based): chrX:15,326,014, G>A on the plus strand (C>T on the coding strand, the complement: PIGA is on the minus strand). VCF-style: chrX-15326014-G-A. GRCh37 (hg19) VCF-style: chrX-15344136-G-A.
Other names: c.841C>T, p.Leu281Phe (NM_001440789.1); c.139C>T, p.Leu47Phe (NM_001440790.1); c.46C>T, p.Leu16Phe (NM_020473.3); short protein forms L16F, L281F, L250F, L47F.
Identifiers: ClinVar variation 4746267 (VCV004746267.1).